The following is an entry in ClinVar:

NM_000397.4(CYBB):c.991A>G (p.Lys331Glu)

Gene: CYBB (cytochrome b-245 beta chain; plus strand). Cytogenetic location: Xp11.4.
Variant type: single nucleotide variant.
Coding change: c.991A>G on transcript NM_000397.4 (MANE Select); coding-DNA position 991, A replaced by G.
Protein change: p.Lys331Glu; replaces lysine 331 with glutamic acid.
Molecular consequence: missense variant.
Genome position (GRCh38, 1-based): chrX:37,803,970, A>G. VCF-style: chrX-37803970-A-G. GRCh37 (hg19) VCF-style: chrX-37663223-A-G.
Other names: short protein forms K331E.
Identifiers: ClinVar variation 4745352 (VCV004745352.1).

ClinVar aggregate classification (germline): Uncertain significance (1 of 4 stars; one submission).

Conditions:
Granulomatous disease, chronic, X-linked. Also called: CYTOCHROME b-NEGATIVE GRANULOMATOUS DISEASE, CHRONIC, X-LINKED; GRANULOMATOUS DISEASE, CHRONIC, X-LINKED, SOMATIC MOSAIC. Identifiers: Orphanet 379, MedGen C1844376, MONDO:0010600, OMIM 306400.

Submission:

Labcorp Genetics (formerly Invitae), Labcorp
Classification: Uncertain significance for Granulomatous disease, chronic, X-linked. Last evaluated: 2025-05-25. Review status: criteria provided, single submitter. Criteria: Invitae Variant Classification Sherloc (09022015). Collection method: clinical testing. Allele origin: germline.
Comment: This sequence change replaces lysine, which is basic and polar, with glutamic acid, which is acidic and polar, at codon 331 of the CYBB protein (p.Lys331Glu). This variant is not present in population databases (gnomAD no frequency). This variant has not been reported in the literature in individuals affected with CYBB-related conditions. Invitae Evidence Modeling of protein sequence and biophysical properties (such as structural, functional, and spatial information, amino acid conservation, physicochemical variation, residue mobility, and thermodynamic stability) indicates that this missense variant is not expected to disrupt CYBB protein function with a negative predictive value of 80%. In summary, the available evidence is currently insufficient to determine the role of this variant in disease. Therefore, it has been classified as a Variant of Uncertain Significance.